The following is an entry in ClinVar:

NM_024809.5(TCTN2):c.1312+3A>G

Gene: TCTN2 (tectonic family member 2; plus strand). Cytogenetic location: 12q24.31.
Variant type: single nucleotide variant.
Coding change: c.1312+3A>G on transcript NM_024809.5 (MANE Select); 3 bases into the intron after coding-DNA position 1312, A replaced by G.
Molecular consequence: intron variant.
Genome position (GRCh38, 1-based): chr12:123,695,300, A>G. VCF-style: chr12-123695300-A-G. GRCh37 (hg19) VCF-style: chr12-124179847-A-G.
Other names: c.1309+3A>G (NM_001143850.3).
Identifiers: ClinVar variation 1496851 (VCV001496851.6), dbSNP rs1381902683, ClinGen allele CA684710234.

ClinVar aggregate classification (germline): Uncertain significance (1 of 4 stars; one submission).

Conditions:
Meckel-Gruber syndrome. Also called: DYSENCEPHALIA SPLANCHNOCYSTICA; GRUBER SYNDROME; Dysencephalia splachnocystica. Identifiers: Orphanet 564, MedGen C0265215, MONDO:0018921.
Joubert syndrome. Also called: CEREBELLOPARENCHYMAL DISORDER IV; JOUBERT-BOLTSHAUSER SYNDROME; Familial aplasia of the vermis. Identifiers: Orphanet 475, MedGen C5979921, MONDO:0018772.

Allele frequency attached by ClinVar (database versions not stated): gnomAD exomes below 0.00001; TOPMed below 0.00001.
gnomAD v4.1: 2 of 1,560,508 alleles (0.00013%); highest among the groups gnomAD compares: Non-Finnish European, 0.000088%; no homozygotes.

Submission:

Labcorp Genetics (formerly Invitae), Labcorp
Classification: Uncertain significance for Joubert syndrome; Meckel-Gruber syndrome. Last evaluated: 2022-06-01. Review status: criteria provided, single submitter. Criteria: Invitae Variant Classification Sherloc (09022015). Collection method: clinical testing. Allele origin: germline.
Comment: Variants that disrupt the consensus splice site are a relatively common cause of aberrant splicing (PMID: 17576681, 9536098). Algorithms developed to predict the effect of sequence changes on RNA splicing suggest that this variant is not likely to affect RNA splicing. In summary, the available evidence is currently insufficient to determine the role of this variant in disease. Therefore, it has been classified as a Variant of Uncertain Significance. ClinVar contains an entry for this variant (Variation ID: 1496851). This variant has not been reported in the literature in individuals affected with TCTN2-related conditions. This variant is not present in population databases (gnomAD no frequency). This sequence change falls in intron 11 of the TCTN2 gene. It does not directly change the encoded amino acid sequence of the TCTN2 protein. It affects a nucleotide within the consensus splice site.

Literature cited by the submitters: PubMed 17576681; PubMed 9536098.